The following is an entry in ClinVar:

NM_004260.4(RECQL4):c.1684C>T (p.Arg562Trp)

Gene: RECQL4 (RecQ like helicase 4; minus strand). Cytogenetic location: 8q24.3.
Variant type: single nucleotide variant.
Coding change: c.1684C>T on transcript NM_004260.4 (MANE Select); coding-DNA position 1684, C replaced by T.
Protein change: p.Arg562Trp; replaces arginine 562 with tryptophan.
Molecular consequence: missense variant.
Genome position (GRCh38, 1-based): chr8:144,514,462, G>A on the plus strand (C>T on the coding strand, the complement: RECQL4 is on the minus strand). VCF-style: chr8-144514462-G-A. GRCh37 (hg19) VCF-style: chr8-145739846-G-A.
Other names: short protein forms R562W.
Identifiers: ClinVar variation 135128 (VCV000135128.23), dbSNP rs61759892, ClinGen allele CA161813.

ClinVar aggregate classification (germline): Conflicting classifications of pathogenicity. Review status: criteria provided, conflicting classifications (1 of 4 stars). 10 submissions from 10 submitters: Uncertain significance (8); Likely benign (1). 1 of the submissions does not count toward it. Last evaluated 2026-02-07.

Conditions:
RECQL4-related disorder. Also called: RECQL4-related condition; RECQL4-related disorders.
Rapadilino syndrome. Identifiers: Orphanet 3021, MedGen C1849453, MONDO:0009955, OMIM 266280.
Baller-Gerold syndrome (BGS). Also called: CRANIOSYNOSTOSIS WITH RADIAL DEFECTS. Identifiers: Orphanet 1225, MedGen C0265308, MONDO:0009039, OMIM 218600.
Rothmund-Thomson syndrome type 2 (RTS2). Identifiers: Orphanet 221016, MedGen C5203410, MONDO:0016369, OMIM 268400.
Inborn genetic diseases. Identifiers: MedGen C0950123, MeSH D030342.
Hereditary cancer-predisposing syndrome. Also called: Neoplastic Syndromes, Hereditary; Tumor predisposition; Hereditary Cancer Syndrome; Hereditary neoplastic syndrome. Identifiers: Orphanet 140162, MedGen C0027672, MeSH D009386, MONDO:0015356.

Allele frequency attached by ClinVar (database versions not stated): gnomAD 0.00016 and 0.00021; TOPMed 0.00019; ESP Exome Variant Server 0.00024; ExAC 0.00033; 1000 Genomes Project 0.00040; 1000 Genomes Project 30x 0.00062.
gnomAD v4.1: 501 of 1,612,200 alleles (0.031%); highest among the groups gnomAD compares: Middle Eastern, 0.17%; 2 homozygotes.

Submissions (10):

PreventionGenetics, part of Exact Sciences
Classification: Uncertain significance for RECQL4-related condition. Last evaluated: 2026-02-07. Review status: criteria provided, single submitter. Criteria: ACMG Guidelines, 2015. Collection method: clinical testing. Allele origin: germline.
Comment: The RECQL4 c.1684C>T variant is predicted to result in the amino acid substitution p.Arg562Trp. To our knowledge, this variant has not been reported in the literature. This variant is reported in 0.069% of alleles in individuals of South Asian descent in gnomAD. At this time, the clinical significance of this variant is uncertain due to the absence of conclusive functional and genetic evidence.

Labcorp Genetics (formerly Invitae), Labcorp
Classification: Likely benign for Baller-Gerold syndrome. Last evaluated: 2026-01-22. Review status: criteria provided, single submitter. Criteria: Invitae Variant Classification Sherloc (09022015). Collection method: clinical testing. Allele origin: germline.

Institute for Genomic Medicine (IGM) Clinical Laboratory, Nationwide Children's Hospital
Classification: Uncertain significance for Rothmund-Thomson syndrome type 2. Last evaluated: 2025-07-21. Review status: criteria provided, single submitter. Criteria: ACMG Guidelines, 2015. Collection method: clinical testing. Allele origin: germline.
Comment: This variant is absent from or present at an exceedingly low frequency in gnomAD, a large-scale control population database (ACMG/AMP: PM2). This variant results in a missense alteration in a gene for which primarily truncating variants are known to cause disease (ACMG/AMP: BP1).

St. Jude Molecular Pathology, St. Jude Children's Research Hospital
Classification: Uncertain significance for Rothmund-Thomson syndrome type 2. Last evaluated: 2024-08-13. Review status: criteria provided, single submitter. Criteria: St. Jude Assertion Criteria 2020. Collection method: clinical testing. Allele origin: germline.
Comment: The RECQL4 c.1684C>T (p.Arg562Trp) missense change has a maximum subpopulation frequency of 0.07% in gnomAD v2.1.1. In silico tools predict a deleterious effect on protein function, but to our knowledge this prediction has not been confirmed by functional studies. To our knowledge, this variant has not been reported in individuals with RECQL4-associated conditions. In summary, the evidence currently available is insufficient to determine the clinical significance of this variant. It has therefore been classified as of uncertain significance.

GeneDx
Classification: Uncertain significance. Last evaluated: 2023-11-29. Review status: criteria provided, single submitter. Criteria: GeneDx Variant Classification Process June 2021. Collection method: clinical testing. Allele origin: germline. Affected: yes.
Comment: In silico analysis supports that this missense variant has a deleterious effect on protein structure/function; Reported in a patient with cutaneous melanoma but also identified in published literature in healthy individuals undergoing whole genome sequencing (PMID: 24728327; 29641532); This variant is associated with the following publications: (PMID: 24728327, 29641532)

Fulgent Genetics
Classification: Uncertain significance for Baller-Gerold syndrome; Rapadilino syndrome; Rothmund-Thomson syndrome type 2. Last evaluated: 2022-05-24. Review status: criteria provided, single submitter. Criteria: ACMG Guidelines, 2015. Collection method: clinical testing. Allele origin: unknown.

Sema4
Classification: Uncertain significance for Hereditary cancer-predisposing syndrome. Last evaluated: 2021-10-15. Review status: criteria provided, single submitter. Criteria: Sema4 Curation Guidelines. Collection method: curation. Allele origin: germline.
Comment: The RECQL4 c.1684C>T (p.R562W) variant has been reported in heterozygosity in at least one individual with cutaneous melanoma (PMID: 29641532), but has also been reported in healthy individuals (PMID: 24728327, 29641532). This variant was observed in 21/30504 chromosomes in the South Asian population, with no homozygotes, according to the Genome Aggregation Database (PMID: 32461654), and has been reported in ClinVar (Variation ID: 135128). In silico tools suggest the impact of the variant on protein function is deleterious, though these predictions have not been confirmed by functional studies. Based on the current evidence available, this variant is interpreted as a variant of uncertain significance.

Ambry Genetics
Classification: Uncertain significance for Inborn genetic diseases. Last evaluated: 2021-08-19. Review status: criteria provided, single submitter. Criteria: Ambry Variant Classification Scheme 2023. Collection method: clinical testing. Allele origin: germline.

Breakthrough Genomics
Classification: Uncertain significance. Review status: criteria provided, single submitter. Criteria: ACMG Guidelines, 2015. Collection method: not provided. Allele origin: germline. Inheritance: Autosomal recessive inheritance. Affected: yes.

ITMI
No classification provided. Condition: AllHighlyPenetrant. Last evaluated: 2013-09-19. Review status: no classification provided. Collection method: reference population. Allele origin: germline. Not counted in ClinVar's aggregate classification.
Comment: Please see associated publication for description of ethnicities

Literature cited by the submitters: PubMed 29641532 (cited by Sema4); PubMed 24728327 (cited by Sema4 and ITMI).